The following is an entry in ClinVar:

ClinVar aggregate classification (germline): Uncertain significance. Review status: criteria provided, multiple submitters, no conflicts (2 of 4 stars). 2 submissions from 2 submitters: Uncertain significance (2). Last evaluated 2024-03-02.

Conditions:
Haddad syndrome (OHD). Also called: Ondine-Hirschsprung disease. Identifiers: Orphanet 99803, MedGen C1859049, MONDO:0020493.
Hereditary cancer-predisposing syndrome. Also called: Tumor predisposition; Hereditary neoplastic syndrome; Neoplastic Syndromes, Hereditary; Hereditary Cancer Syndrome. Identifiers: Orphanet 140162, MedGen C0027672, MeSH D009386, MONDO:0015356.

Allele frequency attached by ClinVar (database versions not stated): gnomAD exomes below 0.00001.

Submissions (2):

Ambry Genetics
Classification: Uncertain significance for Hereditary cancer-predisposing syndrome. Last evaluated: 2024-03-02. Review status: criteria provided, single submitter. Criteria: Ambry Variant Classification Scheme 2023. Collection method: clinical testing. Allele origin: germline.
Comment: The p.P218S variant (also known as c.652C>T), located in coding exon 3 of the PHOX2B gene, results from a C to T substitution at nucleotide position 652. The proline at codon 218 is replaced by serine, an amino acid with similar properties. This amino acid position is conserved. In addition, this alteration is predicted to be tolerated by in silico analysis. Based on the available evidence, the clinical significance of this alteration remains unclear.

Labcorp Genetics (formerly Invitae), Labcorp
Classification: Uncertain significance for Haddad syndrome. Last evaluated: 2022-06-09. Review status: criteria provided, single submitter. Criteria: Invitae Variant Classification Sherloc (09022015). Collection method: clinical testing. Allele origin: germline.
Comment: In summary, the available evidence is currently insufficient to determine the role of this variant in disease. Therefore, it has been classified as a Variant of Uncertain Significance. Algorithms developed to predict the effect of missense changes on protein structure and function are either unavailable or do not agree on the potential impact of this missense change (SIFT: "Deleterious"; PolyPhen-2: "Not Available"; Align-GVGD: "Class C0"). This variant has not been reported in the literature in individuals affected with PHOX2B-related conditions. This variant is not present in population databases (gnomAD no frequency). This sequence change replaces proline, which is neutral and non-polar, with serine, which is neutral and polar, at codon 218 of the PHOX2B protein (p.Pro218Ser).

NM_003924.4(PHOX2B):c.652C>T (p.Pro218Ser)

Gene: PHOX2B (paired like homeobox 2B; minus strand). Cytogenetic location: 4p13.
Variant type: single nucleotide variant.
Coding change: c.652C>T on transcript NM_003924.4 (MANE Select); coding-DNA position 652, C replaced by T.
Protein change: p.Pro218Ser; replaces proline 218 with serine.
Molecular consequence: missense variant.
Genome position (GRCh38, 1-based): chr4:41,746,100, G>A on the plus strand (C>T on the coding strand, the complement: PHOX2B is on the minus strand). VCF-style: chr4-41746100-G-A. GRCh37 (hg19) VCF-style: chr4-41748117-G-A.
Other names: short protein forms P218S.
Identifiers: ClinVar variation 2200958 (VCV002200958.5), dbSNP rs2552096845, ClinGen allele CA356737497.
Genomic context (GRCh38, chr4:41,746,100, plus strand): 5'-TGCCGGGTTCGCCTCCCGGGCCCCCGGGCCCCGCCGCCCCCGGAGCTCCAGCCGGGCTGG[G>A]CCCGCCGCCGCCGCCTCCATTCGCCCCGCAGCTGGGGGTGGGGTTGGGATTGGGACCTGG-3'
Protein context (NP_003915.2, residues 208-228): CGANGGGGGG[Pro218Ser]SPAGAPGAAG